The following is an entry in ClinVar:

NM_000053.4(ATP7B):c.*1782C>G

Genes: TMEM272 (transmembrane protein 272; minus strand), ATP7B (ATPase copper transporting beta; minus strand). Cytogenetic location: 13q14.3.
Variant type: single nucleotide variant.
Coding change: c.*1782C>G on transcript NM_000053.4 (MANE Select); 1782 bases downstream of the stop codon, C replaced by G.
Molecular consequence: 3 prime UTR variant.
Genome position (GRCh38, 1-based): chr13:51,932,974, G>C on the plus strand (C>G on the coding strand, the complement: ATP7B is on the minus strand). VCF-style: chr13-51932974-G-C. GRCh37 (hg19) VCF-style: chr13-52507110-G-C.
Other names: c.*1782C>G (NM_001005918.3, NM_001243182.2, NM_001330578.2 and 1 more transcripts).
Identifiers: ClinVar variation 312343 (VCV000312343.9), dbSNP rs928169, ClinGen allele CA10634469.

ClinVar aggregate classification (germline): Benign. Review status: criteria provided, multiple submitters, no conflicts (2 of 4 stars). 3 submissions from 3 submitters: Benign (3). Last evaluated 2021-07-14.

Conditions:
Wilson disease (WND). Also called: Wilson's disease. Identifiers: Orphanet 905, MedGen C0019202, MONDO:0010200, OMIM 277900. Disease mechanism: loss of function.

Allele frequency attached by ClinVar (database versions not stated): 1000 Genomes Project 0.52396; 1000 Genomes Project 30x 0.53232; gnomAD exomes 0.64286; TOPMed 0.54978; gnomAD 0.55377.
gnomAD v4.1: 83,833 of 151,832 alleles (55%); highest among the groups gnomAD compares: Middle Eastern, 63%; 23,302 homozygotes.

Submissions (3):

Genome-Nilou Lab
Classification: Benign for Wilson disease. Last evaluated: 2021-07-14. Review status: criteria provided, single submitter. Criteria: ACMG Guidelines, 2015. Collection method: clinical testing. Allele origin: germline. Affected: no.

Illumina Laboratory Services, Illumina
Classification: Benign for Wilson disease. Last evaluated: 2018-01-13. Review status: criteria provided, single submitter. Criteria: ICSL Variant Classification Criteria 13 December 2019. Collection method: clinical testing. Allele origin: germline.
Comment: This variant was observed in the ICSL laboratory as part of a predisposition screen in an ostensibly healthy population. It had not been previously curated by ICSL or reported in the Human Gene Mutation Database (HGMD: prior to June 1st, 2018), and was therefore a candidate for classification through an automated scoring system. Utilizing variant allele frequency, disease prevalence and penetrance estimates, and inheritance mode, an automated score was calculated to assess if this variant is too frequent to cause the disease. Based on the score and internal cut-off values, a variant classified as benign is not then subjected to further curation. The score for this variant resulted in a classification of benign for this disease.

Breakthrough Genomics
Classification: Benign. Review status: criteria provided, single submitter. Criteria: ACMG Guidelines, 2015. Collection method: not provided. Allele origin: germline. Inheritance: Autosomal recessive inheritance. Affected: yes.